The following is an entry in ClinVar:

NM_014043.4(CHMP2B):c.581C>T (p.Ser194Leu)

Gene: CHMP2B (charged multivesicular body protein 2B; plus strand). Cytogenetic location: 3p11.2.
Variant type: single nucleotide variant.
Coding change: c.581C>T on transcript NM_014043.4 (MANE Select); coding-DNA position 581, C replaced by T.
Protein change: p.Ser194Leu; replaces serine 194 with leucine.
Molecular consequence: missense variant.
Genome position (GRCh38, 1-based): chr3:87,253,761, C>T. VCF-style: chr3-87253761-C-T. GRCh37 (hg19) VCF-style: chr3-87302911-C-T.
Other names: c.458C>T, p.Ser153Leu (NM_001244644.2); short protein forms S194L, S153L.
Identifiers: ClinVar variation 581214 (VCV000581214.7), dbSNP rs149380040, ClinGen allele CA2501041.
Genomic context (GRCh38, chr3:87,253,761, plus strand): 5'-GTTTAATATAGATGGCCAAAGCTCCATCAGCTGCTCGAAGCTTACCATCTGCCTCTACTT[C>T]AAAGGCTACAATCTCAGATGAAGAGATTGAACGGCAACTCAAGGCTTTAGGAGTAGATTA-3'
Protein context (NP_054762.2, residues 184-204): AARSLPSAST[Ser194Leu]KATISDEEIE

ClinVar aggregate classification (germline): Uncertain significance. Review status: criteria provided, multiple submitters, no conflicts (2 of 4 stars). 2 submissions from 2 submitters: Uncertain significance (2). Last evaluated 2024-11-06.

Conditions:
Frontotemporal dementia and/or amyotrophic lateral sclerosis 7 (FTDALS7). Also called: CHMP2B-related frontotemporal dementia; AMYOTROPHIC LATERAL SCLEROSIS, CHMP2B-RELATED; Amyotrophic lateral sclerosis 17; CHMP2B-Related Frontotemporal Dementia-Amyotrophic Lateral Sclerosis. Identifiers: Orphanet 275864, Orphanet 282, Orphanet 803, MedGen C1833296, MONDO:0010936, OMIM 600795.

Allele frequency attached by ClinVar (database versions not stated): ExAC 0.00005; gnomAD exomes 0.00005 and 0.00011; TOPMed 0.00011; gnomAD 0.00015; ESP Exome Variant Server 0.00023.
gnomAD v4.1: 188 of 1,612,428 alleles (0.012%); highest among the groups gnomAD compares: Non-Finnish European, 0.013%; no homozygotes.

Submissions (2):

Labcorp Genetics (formerly Invitae), Labcorp
Classification: Uncertain significance for Frontotemporal dementia and/or amyotrophic lateral sclerosis 7. Last evaluated: 2024-11-06. Review status: criteria provided, single submitter. Criteria: Invitae Variant Classification Sherloc (09022015). Collection method: clinical testing. Allele origin: germline.
Comment: This sequence change replaces serine, which is neutral and polar, with leucine, which is neutral and non-polar, at codon 194 of the CHMP2B protein (p.Ser194Leu). This variant is present in population databases (rs149380040, gnomAD 0.02%). This missense change has been observed in individual(s) with clinical features of frontotemporal dementia, Alzheimer disease, or movement disorder (PMID: 20625756, 23155438, 26777436, 29486463, 35531120). ClinVar contains an entry for this variant (Variation ID: 581214). An algorithm developed to predict the effect of missense changes on protein structure and function (PolyPhen-2) suggests that this variant is likely to be tolerated. Experimental studies have shown that this missense change does not substantially affect CHMP2B function (PMID: 22521643). In summary, the available evidence is currently insufficient to determine the role of this variant in disease. Therefore, it has been classified as a Variant of Uncertain Significance.

Athena Diagnostics
Classification: Uncertain significance. Last evaluated: 2019-03-25. Review status: criteria provided, single submitter. Criteria: Athena Diagnostics Criteria. Collection method: clinical testing. Allele origin: germline.

Literature cited by the submitters: PubMed 20625756 (cited by Labcorp Genetics (formerly Invitae), Labcorp and Athena Diagnostics); PubMed 23155438 (cited by Labcorp Genetics (formerly Invitae), Labcorp and Athena Diagnostics); PubMed 26777436 (cited by Labcorp Genetics (formerly Invitae), Labcorp and Athena Diagnostics); PubMed 29486463 (cited by Labcorp Genetics (formerly Invitae), Labcorp and Athena Diagnostics); PubMed 35531120 (cited by Labcorp Genetics (formerly Invitae), Labcorp); PubMed 22521643 (cited by Labcorp Genetics (formerly Invitae), Labcorp and Athena Diagnostics); PubMed 22527221 (cited by Athena Diagnostics).